The following is an entry in ClinVar:

ClinVar aggregate classification (germline): Uncertain significance (1 of 4 stars; one submission).

Conditions:
Autosomal recessive ataxia, Beauce type. Also called: SYNE1-Related Autosomal Recessive Cerebellar Ataxia; Spinocerebellar ataxia, autosomal recessive 8; ATAXIA, RECESSIVE, OF BEAUCE; SYNE1 Deficiency. Identifiers: Orphanet 88644, MedGen C1853116, MONDO:0012549, OMIM 610743.
Emery-Dreifuss muscular dystrophy 4, autosomal dominant (EDMD4). Also called: EMERY-DREIFUSS MUSCULAR DYSTROPHY 4 WITH VARIABLE FEATURES. Identifiers: Orphanet 261, MedGen C2751807, MONDO:0013071, OMIM 612998.

Allele frequency attached by ClinVar (database versions not stated): gnomAD exomes below 0.00001; TOPMed below 0.00001.
gnomAD v4.1: 2 of 1,614,042 alleles (0.00012%); highest among the groups gnomAD compares: Non-Finnish European, 0.00017%; no homozygotes.

Submission:

Labcorp Genetics (formerly Invitae), Labcorp
Classification: Uncertain significance for Emery-Dreifuss muscular dystrophy 4, autosomal dominant; Autosomal recessive ataxia, Beauce type. Last evaluated: 2021-11-07. Review status: criteria provided, single submitter. Criteria: Invitae Variant Classification Sherloc (09022015). Collection method: clinical testing. Allele origin: germline.
Comment: In summary, the available evidence is currently insufficient to determine the role of this variant in disease. Therefore, it has been classified as a Variant of Uncertain Significance. Algorithms developed to predict the effect of missense changes on protein structure and function output the following: SIFT: "Tolerated"; PolyPhen-2: "Benign"; Align-GVGD: "Class C0". The arginine amino acid residue is found in multiple mammalian species, which suggests that this missense change does not adversely affect protein function. This variant has not been reported in the literature in individuals affected with SYNE1-related conditions. This variant is not present in population databases (gnomAD no frequency). This sequence change replaces lysine, which is basic and polar, with arginine, which is basic and polar, at codon 736 of the SYNE1 protein (p.Lys736Arg).

NM_182961.4(SYNE1):c.2186A>G (p.Lys729Arg)

Gene: SYNE1 (spectrin repeat containing nuclear envelope protein 1; minus strand). Cytogenetic location: 6q25.2.
Variant type: single nucleotide variant.
Coding change: c.2186A>G on transcript NM_182961.4 (MANE Select); coding-DNA position 2186, A replaced by G.
Protein change: p.Lys729Arg; replaces lysine 729 with arginine.
Molecular consequence: missense variant.
Genome position (GRCh38, 1-based): chr6:152,462,802, T>C on the plus strand (A>G on the coding strand, the complement: SYNE1 is on the minus strand). VCF-style: chr6-152462802-T-C. GRCh37 (hg19) VCF-style: chr6-152783937-T-C.
Other names: c.2207A>G, p.Lys736Arg (NM_033071.5); short protein forms K729R, K736R.
Identifiers: ClinVar variation 1502313 (VCV001502313.6), dbSNP rs2098742034, ClinGen allele CA366122721.